The following is an entry in ClinVar:

ClinVar aggregate classification (germline): Conflicting classifications of pathogenicity. Review status: criteria provided, conflicting classifications (1 of 4 stars). 9 submissions from 8 submitters: Pathogenic (1); Likely pathogenic (1); Uncertain significance (1); Likely benign (3). 3 of the submissions do not count toward it. Last evaluated 2024-10-15.

Conditions:
GDF3-related disorder. Also called: GDF3-related condition.
Klippel-Feil syndrome 3, autosomal dominant (KFS3). Identifiers: Orphanet 2345, MedGen C3150967, MONDO:0013375, OMIM 613702.
Microphthalmia, isolated, with coloboma 6 (MCOPCB6). Also called: MICROPHTHALMIA/COLOBOMA 6; Microphthalmia with coloboma 6, digenic; Microphthalmia with coloboma 6. Identifiers: Orphanet 98938, MedGen C3150968, MONDO:0013376, OMIM 613703.
Supernumerary ribs. Identifiers: MedGen C0345397, HP:0005815.
Scoliosis. Identifiers: MedGen C0036439, MONDO:0005392, HP:0002650.
Hemivertebrae. Identifiers: MedGen C0265677, HP:0002937.
Missing ribs. Identifiers: MedGen C0426816, HP:0000921.

Allele frequency attached by ClinVar (database versions not stated): 1000 Genomes Project 0.00040; 1000 Genomes Project 30x 0.00047; TOPMed 0.00127; ESP Exome Variant Server 0.00169; gnomAD 0.00178 and 0.00188.
gnomAD v4.1: 4,046 of 1,614,130 alleles (0.25%); highest among the groups gnomAD compares: Non-Finnish European, 0.29%; 10 homozygotes.

Submissions (9):

Blueprint Genetics
Classification: Likely benign. Last evaluated: 2024-10-15. Review status: criteria provided, single submitter. Criteria: ACMG Guidelines, 2015. Collection method: clinical testing. Allele origin: germline.

Labcorp Genetics (formerly Invitae), Labcorp
Classification: Likely benign for Klippel-Feil syndrome 3, autosomal dominant. Last evaluated: 2024-01-18. Review status: criteria provided, single submitter. Criteria: Invitae Variant Classification Sherloc (09022015). Collection method: clinical testing. Allele origin: germline.

GeneDx
Classification: Uncertain significance. Last evaluated: 2024-01-09. Review status: criteria provided, single submitter. Criteria: GeneDx Variant Classification Process June 2021. Collection method: clinical testing. Allele origin: germline. Affected: yes.
Comment: Observed in patients with features of GDF3-related ocular and skeletal anomalies spectrum disorder (PMID: 19864492); Published functional studies demonstrate a damaging effect on protein maturation (PMID: 29735971); This variant is associated with the following publications: (PMID: 29260090, 30653986, 34426522, 35170016, 30665703, 24278672, 33195419, 19864492, 23307924, 28440294, 30940639, 25348728, 29735971)

Institute of Human Genetics, University of Leipzig Medical Center
Classification: Likely pathogenic for Klippel-Feil syndrome 3, autosomal dominant. Last evaluated: 2019-01-01. Review status: criteria provided, single submitter. Criteria: ACMG Guidelines, 2015. Collection method: clinical testing. Allele origin: unknown. Affected: yes.

CeGaT Center for Human Genetics Tuebingen
Classification: Pathogenic. Last evaluated: 2017-07-01. Review status: criteria provided, single submitter. Criteria: CeGaT Center For Human Genetics Tuebingen Variant Classification Criteria Version 2. Collection method: clinical testing. Allele origin: germline. Affected: yes. Observed: 1 variant allele.

Centre for Mendelian Genomics, University Medical Centre Ljubljana
Classification: Likely benign for Hemivertebrae; Missing ribs; Scoliosis; Supernumerary ribs. Last evaluated: 2014-02-10. Review status: criteria provided, single submitter. Criteria: ACMG Guidelines, 2015. Collection method: clinical testing. Allele origin: unknown. Affected: yes.

PreventionGenetics, part of Exact Sciences
Classification: Benign for GDF3-related condition. Last evaluated: 2019-11-13. Review status: no assertion criteria provided. Collection method: clinical testing. Allele origin: germline. Not counted in ClinVar's aggregate classification.
Comment: This variant is classified as benign based on ACMG/AMP sequence variant interpretation guidelines (Richards et al. 2015 PMID: 25741868, with internal and published modifications).

OMIM
Classification: Pathogenic for KLIPPEL-FEIL SYNDROME 3, AUTOSOMAL DOMINANT. Last evaluated: 2010-01-15. Review status: no assertion criteria provided. Collection method: literature only. Allele origin: germline. Not counted in ClinVar's aggregate classification.

OMIM
Classification: Pathogenic for MICROPHTHALMIA/COLOBOMA 6. Last evaluated: 2010-01-15. Review status: no assertion criteria provided. Collection method: literature only. Allele origin: germline. Not counted in ClinVar's aggregate classification.

Literature cited by the submitters: PubMed 19864492 (cited by OMIM).

NM_020634.3(GDF3):c.796C>T (p.Arg266Cys)

Gene: GDF3 (growth differentiation factor 3; minus strand). Cytogenetic location: 12p13.31.
Variant type: single nucleotide variant.
Coding change: c.796C>T on transcript NM_020634.3 (MANE Select); coding-DNA position 796, C replaced by T.
Protein change: p.Arg266Cys; replaces arginine 266 with cysteine.
Molecular consequence: missense variant.
Genome position (GRCh38, 1-based): chr12:7,690,177, G>A on the plus strand (C>T on the coding strand, the complement: GDF3 is on the minus strand). VCF-style: chr12-7690177-G-A. GRCh37 (hg19) VCF-style: chr12-7842773-G-A.
Other names: short protein forms R266C.
Identifiers: ClinVar variation 30591 (VCV000030591.50), dbSNP rs140926412, ClinGen allele CA129363.
Genomic context (GRCh38, chr12:7,690,177, plus strand): 5'-TGGGGGCAATGATCCACTTGTGCCAACCCAGGTCCCGGAAGTTAATGAATAGCTGGTGAC[G>A]GTGGCAGAGGTTCTTACAAGAAAGCTTGGGGACAGGGATGGCTGCTCTCCTTTTCCGAGA-3'
Protein context (NP_065685.1, residues 256-276): PKLSCKNLCH[Arg266Cys]HQLFINFRDL